The following is an entry in ClinVar:

NM_018489.3(ASH1L):c.6431G>A (p.Arg2144Gln)

Gene: ASH1L (ASH1 like histone lysine methyltransferase; minus strand). Cytogenetic location: 1q22.
Variant type: single nucleotide variant.
Coding change: c.6431G>A on transcript NM_018489.3 (MANE Select); coding-DNA position 6431, G replaced by A.
Protein change: p.Arg2144Gln; replaces arginine 2144 with glutamine.
Molecular consequence: missense variant.
Genome position (GRCh38, 1-based): chr1:155,370,885, C>T on the plus strand (G>A on the coding strand, the complement: ASH1L is on the minus strand). VCF-style: chr1-155370885-C-T. GRCh37 (hg19) VCF-style: chr1-155340676-C-T.
Other names: c.6446G>A, p.Arg2149Gln (NM_001366177.2); short protein forms R2144Q, R2149Q.
Identifiers: ClinVar variation 1704190 (VCV001704190.2), dbSNP rs1655886505, ClinGen allele CA342754738.
Genomic context (GRCh38, chr1:155,370,885, plus strand): 5'-TGCCCAGCTTTTAGGGGCTCTTTGGTTCTGATTCCCCAACCTTTTTCCTCAGCTCGAAAT[C>T]GTTCTAGACATTGCACCCATTCATGCCTCTGTATCCTCTGGTTACAGCATTGCTCGCCAC-3'
Protein context (NP_060959.2, residues 2134-2154): QRHEWVQCLE[Arg2144Gln]FRAEEKGWGI

ClinVar aggregate classification (germline): Uncertain significance (1 of 4 stars; one submission).

Allele frequency attached by ClinVar (database versions not stated): gnomAD exomes below 0.00001; gnomAD 0.00001.
gnomAD v4.1: 3 of 1,614,006 alleles (0.00019%); highest among the groups gnomAD compares: Non-Finnish European, 0.00025%; no homozygotes.

Submission:

GeneDx
Classification: Uncertain significance. Last evaluated: 2022-02-28. Review status: criteria provided, single submitter. Criteria: GeneDx Variant Classification Process June 2021. Collection method: clinical testing. Allele origin: germline. Affected: yes.
Comment: Not observed at significant frequency in large population cohorts (gnomAD); In silico analysis supports that this missense variant has a deleterious effect on protein structure/function; Has not been previously published as pathogenic or benign to our knowledge